The following is an entry in ClinVar:

ClinVar aggregate classification (germline): Likely pathogenic. Review status: criteria provided, multiple submitters, no conflicts (2 of 4 stars). 2 submissions from 2 submitters: Likely pathogenic (2). Last evaluated 2024-12-27.

Conditions:
Sotos syndrome (SOTOS). Also called: CHROMOSOME 5q35 DELETION SYNDROME; SOTOS SYNDROME 1; CEREBRAL GIGANTISM; Sotos' syndrome; Distinctive facial appearance, overgrowth in childhood, and learning disabilities or delayed development. Identifiers: Orphanet 821, MedGen C0175695, MONDO:0019349, OMIM 117550.

Submissions (2):

Molecular Genetics Laboratory, Motol Hospital
Classification: Likely pathogenic for Sotos syndrome. Last evaluated: 2024-12-27. Review status: criteria provided, single submitter. Criteria: ACMG Guidelines, 2015. Collection method: clinical testing. Allele origin: germline. Affected: yes. Observed: 1 variant allele.
Comment: Rare truncating variants affecting the NSD1 gene are documented as a molecular cause of "Sotos syndrome" (SOTOS; OMIM:117550; PMID:14571271;15942875;14148233;22012791). To conclude, the variant is classified as likely pathogenic (ACMG PVS1, PM2).

3billion
Classification: Likely pathogenic for Sotos syndrome. Last evaluated: 2024-06-19. Review status: criteria provided, single submitter. Criteria: ACMG Guidelines, 2015. Collection method: clinical testing. Allele origin: germline. Affected: yes.
Comment: The variant is not observed in the gnomAD v4.0.0 dataset. Predicted Consequence/Location: Frameshift: predicted to result in a loss or disruption of normal protein function through nonsense-mediated decay (NMD) or protein truncation. Multiple pathogenic variants are reported downstream of the variant. Therefore, this variant is classified as Likely pathogenic according to the recommendation of ACMG/AMP guideline.

Literature cited by the submitters: PubMed 14571271 (cited by Molecular Genetics Laboratory, Motol Hospital); PubMed 15942875 (cited by Molecular Genetics Laboratory, Motol Hospital); PubMed 14148233 (cited by Molecular Genetics Laboratory, Motol Hospital); PubMed 22012791 (cited by Molecular Genetics Laboratory, Motol Hospital).

NM_022455.5(NSD1):c.5356_5360del (p.Lys1786fs)

Genes: NSD1 (nuclear receptor binding SET domain protein 1; plus strand), LOC126807619 (MED14-independent group 3 enhancer GRCh37_chr5:176696443-176697642; plus strand). Cytogenetic location: 5q35.3.
Variant type: Deletion.
Coding change: c.5356_5360del on transcript NM_022455.5 (MANE Select); coding-DNA positions 5356 to 5360, 5 bases deleted (AAGAT; older notation c.5356_5360delAAGAT).
Protein change: p.Lys1786fs; shifts the reading frame from lysine 1786.
Molecular consequence: frameshift variant.
Genome position (GRCh38, 1-based): chr5:177,269,654-177,269,658, AAGAT deleted; deleting any 5 consecutive bases within chr5:177,269,651-177,269,658 gives the same sequence; the c. name uses the placement nearest the transcript's 3' end. VCF-style (leftmost placement, unchanged base first): chr5-177269650-TGATAA-T. GRCh37 (hg19) VCF-style: chr5-176696651-TGATAA-T.
Other names: c.4483_4487del, p.Lys1495fs (NM_001365684.2, NM_001409308.1, NM_001409309.1 and 1 more transcripts); c.5356_5360del, p.Lys1786fs (NM_001409301.1, NM_001409302.1, NM_001409303.1); c.4936_4940del, p.Lys1646fs (NM_001409304.1); c.4603_4607del, p.Lys1535fs (NM_001409305.1); c.4594_4598del, p.Lys1532fs (NM_001409306.1, NM_001409307.1); short protein forms K1532fs, K1646fs, K1786fs, K1495fs, K1535fs.
Identifiers: ClinVar variation 3393448 (VCV003393448.3).